The following is an entry in ClinVar:

NM_017514.5(PLXNA3):c.2589G>C (p.Glu863Asp)

Gene: PLXNA3 (plexin A3; plus strand). Cytogenetic location: Xq28.
Variant type: single nucleotide variant.
Coding change: c.2589G>C on transcript NM_017514.5 (MANE Select); coding-DNA position 2589, G replaced by C.
Protein change: p.Glu863Asp; replaces glutamic acid 863 with aspartic acid.
Molecular consequence: missense variant.
Genome position (GRCh38, 1-based): chrX:154,465,991, G>C. VCF-style: chrX-154465991-G-C. GRCh37 (hg19) VCF-style: chrX-153694334-C-C.
Other names: short protein forms E863D.
Identifiers: ClinVar variation 769190 (VCV000769190.6), dbSNP rs5945430, ClinGen allele CA337318232.

ClinVar aggregate classification (germline): Conflicting classifications of pathogenicity. Review status: criteria provided, conflicting classifications (1 of 4 stars). 3 submissions from 3 submitters: Uncertain significance (1); Benign (2). Last evaluated 2025-10-02.

Conditions:
Hypogonadotropic hypogonadism. Also called: Low gonadotropins (secondary hypogonadism); Hypogonadotrophic hypogonadism; Isolated hypogonadotropic hypogonadism; Hypogonadotropic hypogonadism with or without anosmia. Identifiers: Orphanet 432, MedGen C0271623, MONDO:0018555, HP:0000044.

Allele frequency attached by ClinVar (database versions not stated): TOPMed 0.65966; 1000 Genomes Project 30x 0.60479.

Submissions (3):

Cambridge Genomics Laboratory, East Genomic Laboratory Hub, NHS Genomic Medicine Service
Classification: Uncertain significance for Hypogonadotropic hypogonadism. Last evaluated: 2025-10-02. Review status: criteria provided, single submitter. Criteria: ACGS Best Practice Guidelines for Variant Classification in Rare Disease 2020. Collection method: clinical testing. Allele origin: germline. Affected: yes.
Comment: PM2

Mendelics
Classification: Benign. Last evaluated: 2022-05-04. Review status: criteria provided, single submitter. Criteria: Mendelics Assertion Criteria 2019. Collection method: clinical testing. Allele origin: germline.

Labcorp Genetics (formerly Invitae), Labcorp
Classification: Benign. Last evaluated: 2019-12-31. Review status: criteria provided, single submitter. Criteria: Invitae Variant Classification Sherloc (09022015). Collection method: clinical testing. Allele origin: germline.